The following is an entry in ClinVar:

ClinVar aggregate classification (germline): Uncertain significance (1 of 4 stars; one submission).

gnomAD v4.1: 20 of 1,613,902 alleles (0.0012%); highest among the groups gnomAD compares: Non-Finnish European, 0.0015%; no homozygotes.

Submission:

Labcorp Genetics (formerly Invitae), Labcorp
Classification: Uncertain significance. Last evaluated: 2025-03-12. Review status: criteria provided, single submitter. Criteria: Invitae Variant Classification Sherloc (09022015). Collection method: clinical testing. Allele origin: germline.
Comment: This sequence change replaces valine, which is neutral and non-polar, with leucine, which is neutral and non-polar, at codon 128 of the ESR2 protein (p.Val128Leu). This variant is present in population databases (no rsID available, gnomAD 0.004%). This missense change has been observed in individual(s) with clinical features of familial medullary thyroid cancer (PMID: 26945007). Invitae Evidence Modeling of protein sequence and biophysical properties (such as structural, functional, and spatial information, amino acid conservation, physicochemical variation, residue mobility, and thermodynamic stability) indicates that this missense variant is not expected to disrupt ESR2 protein function with a negative predictive value of 80%. In summary, the available evidence is currently insufficient to determine the role of this variant in disease. Therefore, it has been classified as a Variant of Uncertain Significance.

Literature cited by the submitters: PubMed 26945007.

NM_001437.3(ESR2):c.382G>C (p.Val128Leu)

Gene: ESR2 (estrogen receptor 2; minus strand). Cytogenetic location: 14q23.2.
Variant type: single nucleotide variant.
Coding change: c.382G>C on transcript NM_001437.3 (MANE Select); coding-DNA position 382, G replaced by C.
Protein change: p.Val128Leu; replaces valine 128 with leucine.
Molecular consequence: missense variant. On other transcripts: non-coding transcript variant (1).
Genome position (GRCh38, 1-based): chr14:64,280,134, C>G on the plus strand (G>C on the coding strand, the complement: ESR2 is on the minus strand). VCF-style: chr14-64280134-C-G. GRCh37 (hg19) VCF-style: chr14-64746852-C-G.
Other names: c.382G>C, p.Val128Leu (NM_001040275.1, NM_001214902.1, NM_001271876.1 and 3 more transcripts); short protein forms V128L.
Identifiers: ClinVar variation 4695198 (VCV004695198.1).